The following is an entry in ClinVar:

ClinVar aggregate classification (germline): Uncertain significance. Review status: criteria provided, multiple submitters, no conflicts (2 of 4 stars). 2 submissions from 2 submitters: Uncertain significance (2). Last evaluated 2024-10-09.

Conditions:
Aicardi-Goutieres syndrome 5. Identifiers: Orphanet 51, MedGen C2749659, MONDO:0013059, OMIM 612952.

Allele frequency attached by ClinVar (database versions not stated): TOPMed below 0.00001.
gnomAD v4.1: 1 of 1,614,028 alleles (0.000062%); highest among the groups gnomAD compares: Non-Finnish European, 0.000085%; no homozygotes.

Submissions (2):

Blueprint Genetics
Classification: Uncertain significance. Last evaluated: 2024-10-09. Review status: criteria provided, single submitter. Criteria: ACMG Guidelines, 2015. Collection method: clinical testing. Allele origin: germline.

Labcorp Genetics (formerly Invitae), Labcorp
Classification: Uncertain significance for Aicardi-Goutieres syndrome 5. Last evaluated: 2023-08-30. Review status: criteria provided, single submitter. Criteria: Invitae Variant Classification Sherloc (09022015). Collection method: clinical testing. Allele origin: germline.
Comment: This variant has not been reported in the literature in individuals affected with SAMHD1-related conditions. In summary, the available evidence is currently insufficient to determine the role of this variant in disease. Therefore, it has been classified as a Variant of Uncertain Significance. Advanced modeling of protein sequence and biophysical properties (such as structural, functional, and spatial information, amino acid conservation, physicochemical variation, residue mobility, and thermodynamic stability) performed at Invitae indicates that this missense variant is not expected to disrupt SAMHD1 protein function. ClinVar contains an entry for this variant (Variation ID: 2162339). This variant is not present in population databases (gnomAD no frequency). This sequence change replaces valine, which is neutral and non-polar, with isoleucine, which is neutral and non-polar, at codon 518 of the SAMHD1 protein (p.Val518Ile).

NM_015474.4(SAMHD1):c.1552G>A (p.Val518Ile)

Gene: SAMHD1 (SAM and HD domain containing deoxynucleoside triphosphate triphosphohydrolase 1; minus strand). Cytogenetic location: 20q11.23.
Variant type: single nucleotide variant.
Coding change: c.1552G>A on transcript NM_015474.4 (MANE Select); coding-DNA position 1552, G replaced by A.
Protein change: p.Val518Ile; replaces valine 518 with isoleucine.
Molecular consequence: missense variant. On other transcripts: intron variant (1).
Genome position (GRCh38, 1-based): chr20:36,898,496, C>T on the plus strand (G>A on the coding strand, the complement: SAMHD1 is on the minus strand). VCF-style: chr20-36898496-C-T. GRCh37 (hg19) VCF-style: chr20-35526899-C-T.
Other names: c.1552G>A, p.Val518Ile (NM_001363733.2); c.1504-537G>A (NM_001363729.2); short protein forms V518I.
Identifiers: ClinVar variation 2162339 (VCV002162339.5), dbSNP rs1990239690, ClinGen allele CA408840258.